The following is an entry in ClinVar:

ClinVar aggregate classification (germline): Uncertain significance (1 of 4 stars; one submission).

Conditions:
Autosomal recessive limb-girdle muscular dystrophy type 2P. Also called: MUSCULAR DYSTROPHY, LIMB-GIRDLE, TYPE 2P; MUSCULAR DYSTROPHY-DYSTROGLYCANOPATHY, LIMB-GIRDLE, DAG1-RELATED; Limb-Girdle Muscular Dystrophy Type 9C. Identifiers: Orphanet 280333, MedGen C4511963, MONDO:0013440, OMIM 613818.
Muscular dystrophy-dystroglycanopathy (congenital with brain and eye anomalies), type A9. Also called: WALKER-WARBURG SYNDROME OR MUSCLE-EYE BRAIN DISEASE, DAG1-RELATED; Muscular dystrophy-dystroglycanopathy (congenital with brain and eye anomalies), type a, 9. Identifiers: Orphanet 370997, Orphanet 899, MedGen C4225291, MONDO:0014683, OMIM 616538.

Submission:

Labcorp Genetics (formerly Invitae), Labcorp
Classification: Uncertain significance for Autosomal recessive limb-girdle muscular dystrophy type 2P; Muscular dystrophy-dystroglycanopathy (congenital with brain and eye anomalies), type A9. Last evaluated: 2025-09-14. Review status: criteria provided, single submitter. Criteria: Invitae Variant Classification Sherloc (09022015). Collection method: clinical testing. Allele origin: germline.
Comment: This sequence change replaces leucine, which is neutral and non-polar, with phenylalanine, which is neutral and non-polar, at codon 306 of the DAG1 protein (p.Leu306Phe). This variant is not present in population databases (gnomAD no frequency). This variant has not been reported in the literature in individuals affected with DAG1-related conditions. Invitae Evidence Modeling of protein sequence and biophysical properties (such as structural, functional, and spatial information, amino acid conservation, physicochemical variation, residue mobility, and thermodynamic stability) indicates that this missense variant is not expected to disrupt DAG1 protein function with a negative predictive value of 80%. In summary, the available evidence is currently insufficient to determine the role of this variant in disease. Therefore, it has been classified as a Variant of Uncertain Significance.

NM_004393.6(DAG1):c.916C>T (p.Leu306Phe)

Gene: DAG1 (dystroglycan 1; plus strand). Cytogenetic location: 3p21.31.
Variant type: single nucleotide variant.
Coding change: c.916C>T on transcript NM_004393.6 (MANE Select); coding-DNA position 916, C replaced by T.
Protein change: p.Leu306Phe; replaces leucine 306 with phenylalanine.
Molecular consequence: missense variant.
Genome position (GRCh38, 1-based): chr3:49,531,427, C>T. VCF-style: chr3-49531427-C-T. GRCh37 (hg19) VCF-style: chr3-49568860-C-T.
Other names: c.916C>T, p.Leu306Phe (NM_001177639.3, NM_001177640.3, NM_001177641.3 and 18 more transcripts); short protein forms L306F.
Identifiers: ClinVar variation 4783197 (VCV004783197.1).